The following is an entry in ClinVar:

ClinVar aggregate classification (germline): Uncertain significance (1 of 4 stars; one submission).

Conditions:
Werner syndrome (WRN). Identifiers: Orphanet 902, MedGen C0043119, MONDO:0010196, OMIM 277700.

Submission:

Labcorp Genetics (formerly Invitae), Labcorp
Classification: Uncertain significance for Werner syndrome. Last evaluated: 2023-11-24. Review status: criteria provided, single submitter. Criteria: Invitae Variant Classification Sherloc (09022015). Collection method: clinical testing. Allele origin: germline.
Comment: This sequence change replaces isoleucine, which is neutral and non-polar, with threonine, which is neutral and polar, at codon 1352 of the WRN protein (p.Ile1352Thr). This variant is present in population databases (no rsID available, gnomAD 0.01%). This variant has not been reported in the literature in individuals affected with WRN-related conditions. ClinVar contains an entry for this variant (Variation ID: 403998). Algorithms developed to predict the effect of missense changes on protein structure and function output the following: SIFT: "Not Available"; PolyPhen-2: "Benign"; Align-GVGD: "Not Available". The threonine amino acid residue is found in multiple mammalian species, which suggests that this missense change does not adversely affect protein function. In summary, the available evidence is currently insufficient to determine the role of this variant in disease. Therefore, it has been classified as a Variant of Uncertain Significance.

NM_000553.6(WRN):c.4055T>C (p.Ile1352Thr)

Gene: WRN (WRN RecQ like helicase; plus strand). Cytogenetic location: 8p12.
Variant type: single nucleotide variant.
Coding change: c.4055T>C on transcript NM_000553.6 (MANE Select); coding-DNA position 4055, T replaced by C.
Protein change: p.Ile1352Thr; replaces isoleucine 1352 with threonine.
Molecular consequence: missense variant.
Genome position (GRCh38, 1-based): chr8:31,167,094, T>C. VCF-style: chr8-31167094-T-C. GRCh37 (hg19) VCF-style: chr8-31024610-T-C.
Other names: short protein forms I1352T.
Identifiers: ClinVar variation 403998 (VCV000403998.7), dbSNP rs1060500065, ClinGen allele CA16612631.